The following is an entry in ClinVar:

NC_000018.9:g.(?_48602988)_(48604837_?)del

Gene: SMAD4 (SMAD family member 4; plus strand). Cytogenetic location: 18q21.2.
Variant type: Deletion.
Identifiers: ClinVar variation 2425340 (VCV002425340.3).

ClinVar aggregate classification (germline): Pathogenic (1 of 4 stars; one submission).

Conditions:
Juvenile polyposis syndrome (JPS). Identifiers: Orphanet 2929, MedGen C0345893, MONDO:0017380, OMIM 174900.

Submission:

Labcorp Genetics (formerly Invitae), Labcorp
Classification: Pathogenic for Juvenile polyposis syndrome. Last evaluated: 2021-11-09. Review status: criteria provided, single submitter. Criteria: Invitae Variant Classification Sherloc (09022015). Collection method: clinical testing. Allele origin: germline.
Comment: This variant is a gross deletion of the genomic region encompassing exon(s) 11-12 of the SMAD4 gene, which includes the termination codon. This deletion extends beyond the assayed region for this gene and therefore may encompass additional genes. While this deletion is not anticipated to lead to nonsense mediated decay, it is expected to alter mRNA translation or result in a truncated protein product. This variant has not been reported in the literature in individuals affected with SMAD4-related conditions. This variant disrupts a region of the SMAD4 protein in which other variant(s) (p.Ile500Val) have been determined to be pathogenic (PMID: 22158539, 22243968, 22585601, 22683461, 24398790, 26636501, 27302097). This suggests that this is a clinically significant region of the protein, and that variants that disrupt it are likely to be disease-causing. For these reasons, this variant has been classified as Pathogenic.

Literature cited by the submitters: PubMed 22158539; PubMed 22243968; PubMed 22585601; PubMed 22683461; PubMed 24398790; PubMed 26636501; PubMed 27302097.